The following is an entry in ClinVar:

ClinVar aggregate classification (germline): Uncertain significance (1 of 4 stars; one submission).

Conditions:
Hereditary cancer-predisposing syndrome. Also called: Neoplastic Syndromes, Hereditary; Tumor predisposition; Hereditary Cancer Syndrome; Hereditary neoplastic syndrome. Identifiers: Orphanet 140162, MedGen C0027672, MeSH D009386, MONDO:0015356.

Submissions (2):

Color Diagnostics, LLC DBA Color Health
Classification: Uncertain significance for Hereditary cancer-predisposing syndrome. Last evaluated: 2019-06-07. Review status: criteria provided, single submitter. Criteria: ACMG Guidelines, 2015. Collection method: clinical testing. Allele origin: germline.

Brotman Baty Institute, University of Washington
No classification provided (evidence only). Condition: Breast-ovarian cancer, familial 1. Review status: no classification provided. Collection method: in vitro. Allele origin: not applicable. Functional consequence: functionally_normal. Not counted in ClinVar's aggregate classification.
ClinVar note: "not provided" was previously submitted as the classification for the variant. However, the classification appeared to be based only on an observation of functional data so it was converted to no classification on 2025-07-30.

NM_007294.4(BRCA1):c.4934G>A (p.Arg1645Lys)

Gene: BRCA1 (BRCA1 DNA repair associated; minus strand). Cytogenetic location: 17q21.31.
Variant type: single nucleotide variant.
Coding change: c.4934G>A on transcript NM_007294.4 (MANE Select); coding-DNA position 4934, G replaced by A.
Protein change: p.Arg1645Lys; replaces arginine 1645 with lysine.
Molecular consequence: missense variant. On other transcripts: non-coding transcript variant (1).
Genome position (GRCh38, 1-based): chr17:43,070,980, C>T on the plus strand (G>A on the coding strand, the complement: BRCA1 is on the minus strand). VCF-style: chr17-43070980-C-T. GRCh37 (hg19) VCF-style: chr17-41222997-C-T.
Other names: c.4721G>A, p.Arg1574Lys (NM_001407571.1, NM_001407894.1, NM_001407895.1 and 12 more transcripts); c.5000G>A, p.Arg1667Lys (NM_001407581.1, NM_001407582.1); c.4997G>A, p.Arg1666Lys (NM_001407583.1, NM_001407585.1, NM_001407587.1 and 1 more transcripts); c.4994G>A, p.Arg1665Lys (NM_001407590.1, NM_001407591.1); c.4934G>A, p.Arg1645Lys (NM_001407593.1, NM_001407594.1, NM_001407596.1 and 8 more transcripts); c.4931G>A, p.Arg1644Lys (NM_001407618.1, NM_001407619.1, NM_001407620.1 and 17 more transcripts); c.4928G>A, p.Arg1643Lys (NM_001407637.1, NM_001407638.1, NM_001407639.1 and 14 more transcripts); c.4925G>A, p.Arg1642Lys (NM_001407644.1, NM_001407645.1); and 70 more; short protein forms R1598K, R1645K, R1666K, R541K, R539K, R1348K, R1476K, R1518K.
Identifiers: ClinVar variation 868425 (VCV000868425.5), dbSNP rs70953661, ClinGen allele CA10591656.